The following is an entry in ClinVar:

ClinVar aggregate classification (germline): Uncertain significance (1 of 4 stars; one submission).

Conditions:
Familial cold autoinflammatory syndrome 3 (FCAS3). Also called: FAMILIAL ATYPICAL COLD URTICARIA; ANTIBODY DEFICIENCY AND IMMUNE DYSREGULATION, PLCG2-ASSOCIATED. Identifiers: Orphanet 300359, MedGen C3280914, MONDO:0013766, OMIM 614468.

Allele frequency attached by ClinVar (database versions not stated): gnomAD exomes below 0.00001.

Submission:

Labcorp Genetics (formerly Invitae), Labcorp
Classification: Uncertain significance for Familial cold autoinflammatory syndrome 3. Last evaluated: 2021-08-17. Review status: criteria provided, single submitter. Criteria: Invitae Variant Classification Sherloc (09022015). Collection method: clinical testing. Allele origin: germline.
Comment: In summary, the available evidence is currently insufficient to determine the role of this variant in disease. Therefore, it has been classified as a Variant of Uncertain Significance. Algorithms developed to predict the effect of missense changes on protein structure and function are either unavailable or do not agree on the potential impact of this missense change (SIFT: "Tolerated"; PolyPhen-2: "Possibly Damaging"; Align-GVGD: "Class C0"). This variant has not been reported in the literature in individuals affected with PLCG2-related conditions. This variant is not present in population databases (ExAC no frequency). This sequence change replaces alanine with valine at codon 1230 of the PLCG2 protein (p.Ala1230Val). The alanine residue is moderately conserved and there is a small physicochemical difference between alanine and valine.

NM_002661.5(PLCG2):c.3689C>T (p.Ala1230Val)

Gene: PLCG2 (phospholipase C gamma 2; plus strand). Cytogenetic location: 16q23.3.
Variant type: single nucleotide variant.
Coding change: c.3689C>T on transcript NM_002661.5 (MANE Select); coding-DNA position 3689, C replaced by T.
Protein change: p.Ala1230Val; replaces alanine 1230 with valine.
Molecular consequence: missense variant.
Genome position (GRCh38, 1-based): chr16:81,956,813, C>T. VCF-style: chr16-81956813-C-T. GRCh37 (hg19) VCF-style: chr16-81990418-C-T.
Other names: short protein forms A1230V.
Identifiers: ClinVar variation 1429510 (VCV001429510.6), dbSNP rs542811647, ClinGen allele CA396898418.